The following is an entry in ClinVar:

NM_001903.5(CTNNA1):c.2643G>C (p.Lys881Asn)

Gene: CTNNA1 (catenin alpha 1; plus strand). Cytogenetic location: 5q31.2.
Variant type: single nucleotide variant.
Coding change: c.2643G>C on transcript NM_001903.5 (MANE Select); coding-DNA position 2643, G replaced by C.
Protein change: p.Lys881Asn; replaces lysine 881 with asparagine.
Molecular consequence: missense variant. On other transcripts: 3 prime UTR variant (5).
Genome position (GRCh38, 1-based): chr5:138,934,011, G>C. VCF-style: chr5-138934011-G-C. GRCh37 (hg19) VCF-style: chr5-138269700-G-C.
Other names: c.*188G>C (NM_001290307.3, NM_001324002.1, NM_001324003.1 and 2 more transcripts); c.2334G>C, p.Lys778Asn (NM_001290309.3); c.2274G>C, p.Lys758Asn (NM_001290310.3); c.1533G>C, p.Lys511Asn (NM_001290312.1, NM_001323987.1, NM_001323988.1 and 12 more transcripts); c.2643G>C, p.Lys881Asn (NM_001323982.2, NM_001323983.1, NM_001323984.2); c.2616G>C, p.Lys872Asn (NM_001323985.2); c.2550G>C, p.Lys850Asn (NM_001323986.2); c.1398G>C, p.Lys466Asn (NM_001324001.1); and 4 more; short protein forms K398N, K480N, K511N, K872N, K430N, K466N, K778N, K758N.
Identifiers: ClinVar variation 2186160 (VCV002186160.5), dbSNP rs754912563, ClinGen allele CA3432276.

ClinVar aggregate classification (germline): Uncertain significance. Review status: criteria provided, multiple submitters, no conflicts (2 of 4 stars). 2 submissions from 2 submitters: Uncertain significance (2). Last evaluated 2025-09-19.

Conditions:
Hereditary cancer-predisposing syndrome. Also called: Hereditary Cancer Syndrome; Tumor predisposition; Hereditary neoplastic syndrome; Neoplastic Syndromes, Hereditary. Identifiers: Orphanet 140162, MedGen C0027672, MeSH D009386, MONDO:0015356.

Allele frequency attached by ClinVar (database versions not stated): ExAC 0.00001; gnomAD 0.00001; gnomAD exomes below 0.00001.
gnomAD v4.1: 8 of 1,614,020 alleles (0.0005%); highest among the groups gnomAD compares: South Asian, 0.0088%; no homozygotes.

Submissions (2):

Ambry Genetics
Classification: Uncertain significance for Hereditary cancer-predisposing syndrome. Last evaluated: 2025-09-19. Review status: criteria provided, single submitter. Criteria: Ambry Variant Classification Scheme 2023. Collection method: clinical testing. Allele origin: germline.
Comment: The p.K881N variant (also known as c.2643G>C), located in coding exon 17 of the CTNNA1 gene, results from a G to C substitution at nucleotide position 2643. The lysine at codon 881 is replaced by asparagine, an amino acid with similar properties. This amino acid position is conserved. In addition, this alteration is predicted to be tolerated by in silico analysis. Based on the available evidence, the clinical significance of this variant remains unclear.

Labcorp Genetics (formerly Invitae), Labcorp
Classification: Uncertain significance. Last evaluated: 2025-07-30. Review status: criteria provided, single submitter. Criteria: Invitae Variant Classification Sherloc (09022015). Collection method: clinical testing. Allele origin: germline.
Comment: This sequence change replaces lysine, which is basic and polar, with asparagine, which is neutral and polar, at codon 881 of the CTNNA1 protein (p.Lys881Asn). This variant is present in population databases (rs754912563, gnomAD 0.003%). This variant has not been reported in the literature in individuals affected with CTNNA1-related conditions. ClinVar contains an entry for this variant (Variation ID: 2186160). Invitae Evidence Modeling of protein sequence and biophysical properties (such as structural, functional, and spatial information, amino acid conservation, physicochemical variation, residue mobility, and thermodynamic stability) indicates that this missense variant is not expected to disrupt CTNNA1 protein function with a negative predictive value of 80%. In summary, the available evidence is currently insufficient to determine the role of this variant in disease. Therefore, it has been classified as a Variant of Uncertain Significance.